The following is an entry in ClinVar:

ClinVar aggregate classification (germline): Uncertain significance (1 of 4 stars; one submission).

Submission:

GeneDx
Classification: Uncertain significance. Last evaluated: 2024-10-15. Review status: criteria provided, single submitter. Criteria: GeneDx Variant Classification Process June 2021. Collection method: clinical testing. Allele origin: germline. Affected: yes.
Comment: Not observed at significant frequency in large population cohorts (gnomAD); In silico analysis supports that this missense variant has a deleterious effect on protein structure/function; Has not been previously published as pathogenic or benign to our knowledge

NM_002074.5(GNB1):c.189G>C (p.Trp63Cys)

Gene: GNB1 (G protein subunit beta 1; minus strand). Cytogenetic location: 1p36.33.
Variant type: single nucleotide variant.
Coding change: c.189G>C on transcript NM_002074.5 (MANE Select); coding-DNA position 189, G replaced by C.
Protein change: p.Trp63Cys; replaces tryptophan 63 with cysteine.
Molecular consequence: missense variant. On other transcripts: intron variant (1).
Genome position (GRCh38, 1-based): chr1:1,815,770, C>G on the plus strand (G>C on the coding strand, the complement: GNB1 is on the minus strand). VCF-style: chr1-1815770-C-G. GRCh37 (hg19) VCF-style: chr1-1747209-C-G.
Other names: c.189G>C, p.Trp63Cys (NM_001282539.2); c.-97-9232G>C (NM_001282538.2); short protein forms W63C.
Identifiers: ClinVar variation 3781116 (VCV003781116.1).
Genomic context (GRCh38, chr1:1,815,770, plus strand): 5'-AGCCCCTGAATGTAACAAGCAGCATCCTGCTCATGCCCACGCCTACCTGGAGTCTGTGCC[C>G]CAGTGCATGGCGTAGATCTTGGCCAGGTGCCCCCGCAGTGTCCTCCTCGTGCGCATTTGG-3'
Protein context (NP_002065.1, residues 53-73): GHLAKIYAMH[Trp63Cys]GTDSRLLVSA